The following is an entry in ClinVar:

NM_206933.4(USH2A):c.11824G>A (p.Val3942Ile)

Gene: USH2A (usherin; minus strand). Cytogenetic location: 1q41.
Variant type: single nucleotide variant.
Coding change: c.11824G>A on transcript NM_206933.4 (MANE Select); coding-DNA position 11824, G replaced by A.
Protein change: p.Val3942Ile; replaces valine 3942 with isoleucine.
Molecular consequence: missense variant.
Genome position (GRCh38, 1-based): chr1:215,728,272, C>T on the plus strand (G>A on the coding strand, the complement: USH2A is on the minus strand). VCF-style: chr1-215728272-C-T. GRCh37 (hg19) VCF-style: chr1-215901614-C-T.
Other names: short protein forms V3942I.
Identifiers: ClinVar variation 1343769 (VCV001343769.5), dbSNP rs1659890930, ClinGen allele CA344829106.

ClinVar aggregate classification (germline): Uncertain significance. Review status: criteria provided, multiple submitters, no conflicts (2 of 4 stars). 4 submissions from 3 submitters: Uncertain significance (4). Last evaluated 2023-11-04.

Conditions:
Retinitis pigmentosa 39 (RP39). Identifiers: Orphanet 791, MedGen C3151138, MONDO:0013436, OMIM 613809.
Usher syndrome type 2A. Also called: USHER SYNDROME, TYPE IIA; RETINAL DISEASE IN USHER SYNDROME TYPE IIA, MODIFIER OF. Identifiers: Orphanet 231178, Orphanet 886, MedGen C1848634, MONDO:0010169, OMIM 276901.

Submissions (4):

Genome-Nilou Lab
Classification: Uncertain significance for Retinitis pigmentosa 39. Last evaluated: 2023-11-04. Review status: criteria provided, single submitter. Criteria: ACMG Guidelines, 2015. Collection method: clinical testing. Allele origin: germline. Affected: no.

Genome-Nilou Lab
Classification: Uncertain significance for Usher syndrome type 2A. Last evaluated: 2023-11-04. Review status: criteria provided, single submitter. Criteria: ACMG Guidelines, 2015. Collection method: clinical testing. Allele origin: germline. Affected: no.

Labcorp Genetics (formerly Invitae), Labcorp
Classification: Uncertain significance. Last evaluated: 2023-04-24. Review status: criteria provided, single submitter. Criteria: Invitae Variant Classification Sherloc (09022015). Collection method: clinical testing. Allele origin: germline.
Comment: This variant is not present in population databases (gnomAD no frequency). This sequence change replaces valine, which is neutral and non-polar, with isoleucine, which is neutral and non-polar, at codon 3942 of the USH2A protein (p.Val3942Ile). This variant has not been reported in the literature in individuals affected with USH2A-related conditions. ClinVar contains an entry for this variant (Variation ID: 1343769). Advanced modeling of protein sequence and biophysical properties (such as structural, functional, and spatial information, amino acid conservation, physicochemical variation, residue mobility, and thermodynamic stability) performed at Invitae indicates that this missense variant is not expected to disrupt USH2A protein function. In summary, the available evidence is currently insufficient to determine the role of this variant in disease. Therefore, it has been classified as a Variant of Uncertain Significance.

Women's Health and Genetics/Laboratory Corporation of America, LabCorp
Classification: Uncertain significance. Last evaluated: 2022-02-26. Review status: criteria provided, single submitter. Criteria: LabCorp Variant Classification Summary - May 2015. Collection method: clinical testing. Allele origin: germline.
Comment: Variant summary: USH2A c.11824G>A (p.Val3942Ile) results in a conservative amino acid change located in the Fibronectin type III domain (IPR003961) of the encoded protein sequence. Four of five in-silico tools predict a benign effect of the variant on protein function. The variant was absent in 250318 control chromosomes. The available data on variant occurrences in the general population are insufficient to allow any conclusion about variant significance. To our knowledge, no occurrence of c.11824G>A in individuals affected with Usher Syndrome and no experimental evidence demonstrating its impact on protein function have been reported. No clinical diagnostic laboratories have submitted clinical-significance assessments for this variant to ClinVar after 2014. Based on the evidence outlined above, the variant was classified as uncertain significance.